The following is an entry in ClinVar:

ClinVar aggregate classification (germline): Uncertain significance (1 of 4 stars; one submission).

Allele frequency attached by ClinVar (database versions not stated): gnomAD exomes below 0.00001; gnomAD 0.00003; TOPMed 0.00004.
gnomAD v4.1: 6 of 1,613,410 alleles (0.00037%); highest among the groups gnomAD compares: African/African-American, 0.008%; no homozygotes.

Submission:

Labcorp Genetics (formerly Invitae), Labcorp
Classification: Uncertain significance. Last evaluated: 2022-08-07. Review status: criteria provided, single submitter. Criteria: Invitae Variant Classification Sherloc (09022015). Collection method: clinical testing. Allele origin: germline.
Comment: In summary, the available evidence is currently insufficient to determine the role of this variant in disease. Therefore, it has been classified as a Variant of Uncertain Significance. Algorithms developed to predict the effect of missense changes on protein structure and function (SIFT, PolyPhen-2, Align-GVGD) all suggest that this variant is likely to be tolerated. This variant has not been reported in the literature in individuals affected with C7-related conditions. This variant is not present in population databases (gnomAD no frequency). This sequence change replaces leucine, which is neutral and non-polar, with valine, which is neutral and non-polar, at codon 672 of the C7 protein (p.Leu672Val).

NM_000587.4(C7):c.2014C>G (p.Leu672Val)

Gene: C7 (complement C7; plus strand). Cytogenetic location: 5p13.1.
Variant type: single nucleotide variant.
Coding change: c.2014C>G on transcript NM_000587.4 (MANE Select); coding-DNA position 2014, C replaced by G.
Protein change: p.Leu672Val; replaces leucine 672 with valine.
Molecular consequence: missense variant.
Genome position (GRCh38, 1-based): chr5:40,972,534, C>G. VCF-style: chr5-40972534-C-G. GRCh37 (hg19) VCF-style: chr5-40972636-C-G.
Other names: short protein forms L672V.
Identifiers: ClinVar variation 1943757 (VCV001943757.5), dbSNP rs958557076, ClinGen allele CA117233848.